The following is an entry in ClinVar:

NM_003803.4(MYOM1):c.2003G>A (p.Gly668Asp)

Gene: MYOM1 (myomesin 1; minus strand). Cytogenetic location: 18p11.31.
Variant type: single nucleotide variant.
Coding change: c.2003G>A on transcript NM_003803.4 (MANE Select); coding-DNA position 2003, G replaced by A.
Protein change: p.Gly668Asp; replaces glycine 668 with aspartic acid.
Molecular consequence: missense variant.
Genome position (GRCh38, 1-based): chr18:3,141,961, C>T on the plus strand (G>A on the coding strand, the complement: MYOM1 is on the minus strand). VCF-style: chr18-3141961-C-T. GRCh37 (hg19) VCF-style: chr18-3141959-C-T.
Other names: c.2003G>A, p.Gly668Asp (NM_019856.2); short protein forms G668D.
Identifiers: ClinVar variation 864185 (VCV000864185.13), dbSNP rs369493400, ClinGen allele CA8874780.

ClinVar aggregate classification (germline): Uncertain significance. Review status: criteria provided, multiple submitters, no conflicts (2 of 4 stars). 2 submissions from 2 submitters: Uncertain significance (2). Last evaluated 2025-12-20.

Conditions:
Hypertrophic cardiomyopathy. Also called: HYPERTROPHIC MYOCARDIOPATHY. Identifiers: Orphanet 217569, MedGen C0007194, MeSH D002312, MONDO:0005045, HP:0001639.

Allele frequency attached by ClinVar (database versions not stated): TOPMed 0.00012; gnomAD 0.00014 and 0.00020; 1000 Genomes Project 30x 0.00016; ESP Exome Variant Server 0.00016; 1000 Genomes Project 0.00020; gnomAD exomes 0.00020 and 0.00022.
gnomAD v4.1: 337 of 1,613,774 alleles (0.021%); highest among the groups gnomAD compares: South Asian, 0.16%; 2 homozygotes.

Submissions (2):

Labcorp Genetics (formerly Invitae), Labcorp
Classification: Uncertain significance for Hypertrophic cardiomyopathy. Last evaluated: 2025-12-20. Review status: criteria provided, single submitter. Criteria: Invitae Variant Classification Sherloc (09022015). Collection method: clinical testing. Allele origin: germline.
Comment: This sequence change replaces glycine, which is neutral and non-polar, with aspartic acid, which is acidic and polar, at codon 668 of the MYOM1 protein (p.Gly668Asp). This variant is present in population databases (rs369493400, gnomAD 0.1%), and has an allele count higher than expected for a pathogenic variant. This variant has not been reported in the literature in individuals affected with MYOM1-related conditions. ClinVar contains an entry for this variant (Variation ID: 864185). Invitae Evidence Modeling of protein sequence and biophysical properties (such as structural, functional, and spatial information, amino acid conservation, physicochemical variation, residue mobility, and thermodynamic stability) has been performed for this missense variant. However, the output from this modeling did not meet the statistical confidence thresholds required to predict the impact of this variant on MYOM1 protein function. In summary, the available evidence is currently insufficient to determine the role of this variant in disease. Therefore, it has been classified as a Variant of Uncertain Significance.

Ambry Genetics
Classification: Uncertain significance. Last evaluated: 2025-12-01. Review status: criteria provided, single submitter. Criteria: Ambry Variant Classification Scheme 2023. Collection method: clinical testing. Allele origin: germline.
Comment: The p.G668D variant (also known as c.2003G>A), located in coding exon 13 of the MYOM1 gene, results from a G to A substitution at nucleotide position 2003. The glycine at codon 668 is replaced by aspartic acid, an amino acid with similar properties. This amino acid position is conserved. In addition, the in silico prediction for this alteration is inconclusive. Since supporting evidence is limited at this time, the clinical significance of this alteration remains unclear.